The following is an entry in ClinVar:

NM_001457.4(FLNB):c.2575+6A>G

Genes: FLNB (filamin B; plus strand), LOC129936935 (ATAC-STARR-seq lymphoblastoid active region 19999; plus strand). Cytogenetic location: 3p14.3.
Variant type: single nucleotide variant.
Coding change: c.2575+6A>G on transcript NM_001457.4 (MANE Select); 6 bases into the intron after coding-DNA position 2575, A replaced by G.
Molecular consequence: intron variant.
Genome position (GRCh38, 1-based): chr3:58,111,887, A>G. VCF-style: chr3-58111887-A-G. GRCh37 (hg19) VCF-style: chr3-58097614-A-G.
Other names: c.2575+6A>G (NM_001164317.2, NM_001164318.2, NM_001164319.2).
Identifiers: ClinVar variation 2083258 (VCV002083258.4), dbSNP rs757607253, ClinGen allele CA2468157.

ClinVar aggregate classification (germline): Uncertain significance (1 of 4 stars; one submission).

Allele frequency attached by ClinVar (database versions not stated): gnomAD exomes below 0.00001; TOPMed below 0.00001; ExAC 0.00002.
gnomAD v4.1: 6 of 1,612,078 alleles (0.00037%); highest among the groups gnomAD compares: African/African-American, 0.0013%; no homozygotes.

Submission:

Labcorp Genetics (formerly Invitae), Labcorp
Classification: Uncertain significance. Last evaluated: 2022-01-15. Review status: criteria provided, single submitter. Criteria: Invitae Variant Classification Sherloc (09022015). Collection method: clinical testing. Allele origin: germline.
Comment: This variant is present in population databases (rs757607253, gnomAD 0.002%). In summary, the available evidence is currently insufficient to determine the role of this variant in disease. Therefore, it has been classified as a Variant of Uncertain Significance. Variants that disrupt the consensus splice site are a relatively common cause of aberrant splicing (PMID: 17576681, 9536098). Algorithms developed to predict the effect of sequence changes on RNA splicing suggest that this variant may create or strengthen a splice site. This variant has not been reported in the literature in individuals affected with FLNB-related conditions. This sequence change falls in intron 17 of the FLNB gene. It does not directly change the encoded amino acid sequence of the FLNB protein. It affects a nucleotide within the consensus splice site.

Literature cited by the submitters: PubMed 17576681; PubMed 9536098.